The following is an entry in ClinVar:

ClinVar aggregate classification (germline): Uncertain significance. Review status: criteria provided, multiple submitters, no conflicts (2 of 4 stars). 5 submissions from 5 submitters: Uncertain significance (5). Last evaluated 2026-01-05.

Conditions:
Hereditary cancer-predisposing syndrome. Also called: Neoplastic Syndromes, Hereditary; Hereditary neoplastic syndrome; Tumor predisposition; Hereditary Cancer Syndrome. Identifiers: Orphanet 140162, MedGen C0027672, MeSH D009386, MONDO:0015356.
POLD1-related polyposis and colorectal cancer syndrome (CRCS10). Also called: Colorectal cancer 10; COLORECTAL CANCER, SUSCEPTIBILITY TO, ON CHROMOSOME 19q; Colorectal cancer, susceptibility to, 10. Identifiers: Orphanet 220460, MedGen C2675481, MONDO:0012953, OMIM 612591.

Allele frequency attached by ClinVar (database versions not stated): gnomAD exomes below 0.00001; ExAC 0.00003; gnomAD 0.00003; TOPMed 0.00006.
gnomAD v4.1: 10 of 1,600,146 alleles (0.00062%); highest among the groups gnomAD compares: African/African-American, 0.0054%; no homozygotes.

Submissions (5):

Labcorp Genetics (formerly Invitae), Labcorp
Classification: Uncertain significance for POLD1-related polyposis and colorectal cancer syndrome. Last evaluated: 2026-01-05. Review status: criteria provided, single submitter. Criteria: Invitae Variant Classification Sherloc (09022015). Collection method: clinical testing. Allele origin: germline.
Comment: This sequence change replaces arginine, which is basic and polar, with cysteine, which is neutral and slightly polar, at codon 306 of the POLD1 protein (p.Arg306Cys). The frequency data for this variant in the population databases is considered unreliable, as metrics indicate poor data quality at this position in the gnomAD database. This variant has not been reported in the literature in individuals affected with POLD1-related conditions. ClinVar contains an entry for this variant (Variation ID: 469393). Invitae Evidence Modeling of protein sequence and biophysical properties (such as structural, functional, and spatial information, amino acid conservation, physicochemical variation, residue mobility, and thermodynamic stability) indicates that this missense variant is not expected to disrupt POLD1 protein function with a negative predictive value of 80%. In summary, the available evidence is currently insufficient to determine the role of this variant in disease. Therefore, it has been classified as a Variant of Uncertain Significance.

Center for Genomic Medicine, Rigshospitalet, Copenhagen University Hospital
Classification: Uncertain significance. Last evaluated: 2025-12-29. Review status: criteria provided, single submitter. Criteria: ACMG Guidelines, 2015. Collection method: clinical testing. Allele origin: germline.

Ambry Genetics
Classification: Uncertain significance for Hereditary cancer-predisposing syndrome. Last evaluated: 2025-11-03. Review status: criteria provided, single submitter. Criteria: Ambry Variant Classification Scheme 2023. Collection method: clinical testing. Allele origin: germline.

GeneDx
Classification: Uncertain significance. Last evaluated: 2023-09-20. Review status: criteria provided, single submitter. Criteria: GeneDx Variant Classification Process June 2021. Collection method: clinical testing. Allele origin: germline. Affected: yes.
Comment: Not observed at significant frequency in large population cohorts (gnomAD); In silico analysis supports that this missense variant has a deleterious effect on protein structure/function; Observed in an individual with high-grade diffuse glioma (Bedics et al., 2022); This variant is associated with the following publications: (PMID: 29717118, 35545820)

MGZ Medical Genetics Center
Classification: Uncertain significance for POLD1-related polyposis and colorectal cancer syndrome. Last evaluated: 2022-07-19. Review status: criteria provided, single submitter. Criteria: ACMG Guidelines, 2015. Collection method: clinical testing. Allele origin: germline. Affected: yes. Observed: 1 variant allele.
Comment: ACMG criteria applied: PM1_SUP, PM2_SUP, BP4

Literature cited by the submitters: PubMed 37848928 (cited by Center for Genomic Medicine, Rigshospitalet, Copenhagen University Hospital).

NM_002691.4(POLD1):c.916C>T (p.Arg306Cys)

Gene: POLD1 (DNA polymerase delta 1, catalytic subunit; plus strand). Cytogenetic location: 19q13.33.
Variant type: single nucleotide variant.
Coding change: c.916C>T on transcript NM_002691.4 (MANE Select); coding-DNA position 916, C replaced by T.
Protein change: p.Arg306Cys; replaces arginine 306 with cysteine.
Molecular consequence: missense variant. On other transcripts: non-coding transcript variant (1).
Genome position (GRCh38, 1-based): chr19:50,402,687, C>T. VCF-style: chr19-50402687-C-T. GRCh37 (hg19) VCF-style: chr19-50905944-C-T.
Other names: c.916C>T, p.Arg306Cys (NM_001256849.1, NM_001308632.1); c.916C>T (NM_002691.2); short protein forms R306C.
Identifiers: ClinVar variation 469393 (VCV000469393.21), dbSNP rs755457889, ClinGen allele CA9595953.